The following is an entry in ClinVar:

ClinVar aggregate classification (germline): Uncertain significance (1 of 4 stars; one submission).

gnomAD v4.1: 7 of 1,613,732 alleles (0.00043%); highest among the groups gnomAD compares: Non-Finnish European, 0.00059%; no homozygotes.

Submission:

Labcorp Genetics (formerly Invitae), Labcorp
Classification: Uncertain significance. Last evaluated: 2023-10-18. Review status: criteria provided, single submitter. Criteria: Invitae Variant Classification Sherloc (09022015). Collection method: clinical testing. Allele origin: germline.
Comment: This sequence change replaces threonine, which is neutral and polar, with asparagine, which is neutral and polar, at codon 18 of the COL11A1 protein (p.Thr18Asn). This variant is not present in population databases (gnomAD no frequency). This variant has not been reported in the literature in individuals affected with COL11A1-related conditions. Advanced modeling of protein sequence and biophysical properties (such as structural, functional, and spatial information, amino acid conservation, physicochemical variation, residue mobility, and thermodynamic stability) performed at Invitae indicates that this missense variant is not expected to disrupt COL11A1 protein function. In summary, the available evidence is currently insufficient to determine the role of this variant in disease. Therefore, it has been classified as a Variant of Uncertain Significance.

NM_001854.4(COL11A1):c.53C>A (p.Thr18Asn)

Gene: COL11A1 (collagen type XI alpha 1 chain; minus strand). Cytogenetic location: 1p21.1.
Variant type: single nucleotide variant.
Coding change: c.53C>A on transcript NM_001854.4 (MANE Select); coding-DNA position 53, C replaced by A.
Protein change: p.Thr18Asn; replaces threonine 18 with asparagine.
Molecular consequence: missense variant. On other transcripts: non-coding transcript variant (1).
Genome position (GRCh38, 1-based): chr1:103,108,126, G>T on the plus strand (C>A on the coding strand, the complement: COL11A1 is on the minus strand). VCF-style: chr1-103108126-G-T. GRCh37 (hg19) VCF-style: chr1-103573682-G-T.
Other names: c.53C>A, p.Thr18Asn (NM_001168249.1, NM_001190709.2, NM_080629.3 and 1 more transcripts); short protein forms T18N.
Identifiers: ClinVar variation 2825234 (VCV002825234.3), dbSNP rs2102453221, ClinGen allele CA341159582.
Genomic context (GRCh38, chr1:103,108,126, plus strand): 5'-TTCTTACCTCCTCTGACCTCTCTAGCTTGGAAGAGGAAGGTCAATGCGAGGGTTGTTACG[G>T]TGAAATCCCAGAGCCACCGTTTCGTTTTCCACCTAGAGGACCACGGCTCCATCTCCGAGC-3'
Protein context (NP_001845.3, residues 8-28): WKTKRWLWDF[Thr18Asn]VTTLALTFLF